The following is an entry in ClinVar:

ClinVar aggregate classification (germline): Uncertain significance (1 of 4 stars; one submission).

Conditions:
Primary ciliary dyskinesia. Also called: Ciliary dyskinesia. Identifiers: Orphanet 244, MedGen C0008780, MONDO:0016575, HP:0012265.

Allele frequency attached by ClinVar (database versions not stated): TOPMed 0.00001.

Submission:

Ambry Genetics
Classification: Uncertain significance for Primary ciliary dyskinesia. Last evaluated: 2023-12-31. Review status: criteria provided, single submitter. Criteria: Ambry Variant Classification Scheme 2023. Collection method: clinical testing. Allele origin: germline.
Comment: The p.D3651N variant (also known as c.10951G>A), located in coding exon 64 of the DNAH5 gene, results from a G to A substitution at nucleotide position 10951. The aspartic acid at codon 3651 is replaced by asparagine, an amino acid with highly similar properties. This amino acid position is conserved. In addition, this alteration is predicted to be tolerated by in silico analysis. Since supporting evidence is limited at this time, the clinical significance of this alteration remains unclear.

NM_001369.3(DNAH5):c.10951G>A (p.Asp3651Asn)

Gene: DNAH5 (dynein axonemal heavy chain 5; minus strand). Cytogenetic location: 5p15.2.
Variant type: single nucleotide variant.
Coding change: c.10951G>A on transcript NM_001369.3 (MANE Select); coding-DNA position 10951, G replaced by A.
Protein change: p.Asp3651Asn; replaces aspartic acid 3651 with asparagine.
Molecular consequence: missense variant.
Genome position (GRCh38, 1-based): chr5:13,752,211, C>T on the plus strand (G>A on the coding strand, the complement: DNAH5 is on the minus strand). VCF-style: chr5-13752211-C-T. GRCh37 (hg19) VCF-style: chr5-13752320-C-T.
Other names: short protein forms D3651N.
Identifiers: ClinVar variation 3221500 (VCV003221500.1), dbSNP rs1330907347, ClinGen allele CA359190127.